The following is an entry in ClinVar:

ClinVar aggregate classification (germline): Uncertain significance. Review status: criteria provided, multiple submitters, no conflicts (2 of 4 stars). 2 submissions from 2 submitters: Uncertain significance (2). Last evaluated 2025-01-28.

Conditions:
Early Myoclonic Encephalopathy. Identifiers: MedGen C0270855.

Allele frequency attached by ClinVar (database versions not stated): ESP Exome Variant Server 0.00017; gnomAD 0.00018 and 0.00021; gnomAD exomes 0.00003 and 0.00008; ExAC 0.00007; TOPMed 0.00012.
gnomAD v4.1: 70 of 1,613,694 alleles (0.0043%); highest among the groups gnomAD compares: African/African-American, 0.041%; no homozygotes.

Submissions (2):

Labcorp Genetics (formerly Invitae), Labcorp
Classification: Uncertain significance for Early Myoclonic Encephalopathy. Last evaluated: 2025-01-28. Review status: criteria provided, single submitter. Criteria: Invitae Variant Classification Sherloc (09022015). Collection method: clinical testing. Allele origin: germline.
Comment: This sequence change replaces arginine, which is basic and polar, with cysteine, which is neutral and slightly polar, at codon 1023 of the JMJD1C protein (p.Arg1023Cys). This variant is present in population databases (rs369312790, gnomAD 0.05%). This variant has not been reported in the literature in individuals affected with JMJD1C-related conditions. ClinVar contains an entry for this variant (Variation ID: 949667). Invitae Evidence Modeling of protein sequence and biophysical properties (such as structural, functional, and spatial information, amino acid conservation, physicochemical variation, residue mobility, and thermodynamic stability) indicates that this missense variant is expected to disrupt JMJD1C protein function with a positive predictive value of 80%. In summary, the available evidence is currently insufficient to determine the role of this variant in disease. Therefore, it has been classified as a Variant of Uncertain Significance.

Ambry Genetics
Classification: Uncertain significance. Last evaluated: 2024-01-23. Review status: criteria provided, single submitter. Criteria: Ambry Variant Classification Scheme 2023. Collection method: clinical testing. Allele origin: germline.

NM_032776.3(JMJD1C):c.3067C>T (p.Arg1023Cys)

Gene: JMJD1C (jumonji domain containing 1C; minus strand). Cytogenetic location: 10q21.3.
Variant type: single nucleotide variant.
Coding change: c.3067C>T on transcript NM_032776.3 (MANE Select); coding-DNA position 3067, C replaced by T.
Protein change: p.Arg1023Cys; replaces arginine 1023 with cysteine.
Molecular consequence: missense variant. On other transcripts: non-coding transcript variant (1).
Genome position (GRCh38, 1-based): chr10:63,208,602, G>A on the plus strand (C>T on the coding strand, the complement: JMJD1C is on the minus strand). VCF-style: chr10-63208602-G-A. GRCh37 (hg19) VCF-style: chr10-64968362-G-A.
Other names: c.3067C>T (NM_032776.1); c.2521C>T, p.Arg841Cys (NM_001282948.2, NM_001318154.2); c.2203C>T, p.Arg735Cys (NM_001318153.2); c.2953C>T, p.Arg985Cys (NM_001322252.2); c.2410C>T, p.Arg804Cys (NM_001322254.2, NM_001322258.2); short protein forms R841C, R985C, R804C, R1023C, R735C.
Identifiers: ClinVar variation 949667 (VCV000949667.9), dbSNP rs369312790, ClinGen allele CA5518498.